The following is an entry in ClinVar:

ClinVar aggregate classification (germline): Benign. Review status: criteria provided, multiple submitters, no conflicts (2 of 4 stars). 2 submissions from 2 submitters: Benign (2). Last evaluated 2018-06-14.

Allele frequency attached by ClinVar (database versions not stated): gnomAD exomes 0.10340; gnomAD 0.15127 and 0.15234; TOPMed 0.15750; 1000 Genomes Project 0.19569; 1000 Genomes Project 30x 0.19941.
gnomAD v4.1: 137,871 of 1,250,686 alleles (11%); highest among the groups gnomAD compares: African/African-American, 27%; 9,084 homozygotes.

Submissions (11):

GeneDx
Classification: Benign. Last evaluated: 2018-06-14. Review status: criteria provided, single submitter. Criteria: GeneDx Variant Classification (06012015). Collection method: clinical testing. Allele origin: germline. Affected: yes.
Comment: This variant is considered likely benign or benign based on one or more of the following criteria: it is a conservative change, it occurs at a poorly conserved position in the protein, it is predicted to be benign by multiple in silico algorithms, and/or has population frequency not consistent with disease.

Breakthrough Genomics
Classification: Benign. Review status: criteria provided, single submitter. Criteria: ACMG Guidelines, 2015. Collection method: not provided. Allele origin: germline. Inheritance: Autosomal dominant inheritance. Affected: yes.

Dr. Peter K. Rogan Lab, Western University
No classification provided (evidence only). Condition: Lung cancer. Review status: no classification provided. Collection method: in vitro. Allele origin: not applicable. Functional consequence: retained intron. Not counted in ClinVar's aggregate classification.

Dr. Peter K. Rogan Lab, Western University
No classification provided (evidence only). Condition: Acute myeloid leukemia. Review status: no classification provided. Collection method: in vitro. Allele origin: not applicable. Functional consequence: retained intron. Not counted in ClinVar's aggregate classification.

Dr. Peter K. Rogan Lab, Western University
No classification provided (evidence only). Condition: Hepatocellular carcinoma. Review status: no classification provided. Collection method: in vitro. Allele origin: not applicable. Functional consequence: retained intron. Not counted in ClinVar's aggregate classification.

Dr. Peter K. Rogan Lab, Western University
No classification provided (evidence only). Condition: Nonpapillary renal cell carcinoma. Review status: no classification provided. Collection method: in vitro. Allele origin: not applicable. Functional consequence: retained intron. Not counted in ClinVar's aggregate classification.

Dr. Peter K. Rogan Lab, Western University
No classification provided (evidence only). Condition: Gastric cancer. Review status: no classification provided. Collection method: in vitro. Allele origin: not applicable. Functional consequence: retained intron. Not counted in ClinVar's aggregate classification.

Dr. Peter K. Rogan Lab, Western University
No classification provided (evidence only). Condition: Gastric cancer. Review status: no classification provided. Collection method: in vitro. Allele origin: not applicable. Functional consequence: retained intron. Not counted in ClinVar's aggregate classification.

Dr. Peter K. Rogan Lab, Western University
No classification provided (evidence only). Condition: Gastric cancer. Review status: no classification provided. Collection method: in vitro. Allele origin: not applicable. Functional consequence: retained intron. Not counted in ClinVar's aggregate classification.

Dr. Peter K. Rogan Lab, Western University
No classification provided (evidence only). Condition: Gastric cancer. Review status: no classification provided. Collection method: in vitro. Allele origin: not applicable. Functional consequence: retained intron. Not counted in ClinVar's aggregate classification.

Dr. Peter K. Rogan Lab, Western University
No classification provided (evidence only). Condition: Uterine carcinosarcoma. Review status: no classification provided. Collection method: in vitro. Allele origin: not applicable. Functional consequence: retained intron. Not counted in ClinVar's aggregate classification.

NM_003244.4(TGIF1):c.16+1259C>T

Gene: TGIF1 (TGFB induced factor homeobox 1; plus strand). Cytogenetic location: 18p11.31.
Variant type: single nucleotide variant.
Coding change: c.16+1259C>T on transcript NM_003244.4 (MANE Select); 1259 bases into the intron after coding-DNA position 16, C replaced by T.
Molecular consequence: intron variant. On other transcripts: 5 prime UTR variant (3).
Genome position (GRCh38, 1-based): chr18:3,451,764, C>T. VCF-style: chr18-3451764-C-T. GRCh37 (hg19) VCF-style: chr18-3451762-C-T.
Other names: NC_000018.9:g.3451762C>T; c.-52C>T (NM_001374397.1); c.-663C>T (NM_170695.5); c.-56C>T (NM_173210.4); c.-44-4590C>T (NM_174886.3, NM_001278686.3); c.58+3967C>T (NM_173207.4); c.-45+3225C>T (NM_001374396.1); c.25+2108C>T (NM_001278682.2); and 2 more.
Identifiers: ClinVar variation 675145 (VCV000675145.3), dbSNP rs238533, ClinGen allele CA14618611.